The following is an entry in ClinVar:

NM_015378.4(VPS13D):c.1269C>T (p.Pro423=)

Gene: VPS13D (vacuolar protein sorting 13 homolog D; plus strand). Cytogenetic location: 1p36.22.
Variant type: single nucleotide variant.
Coding change: c.1269C>T on transcript NM_015378.4 (MANE Select); coding-DNA position 1269, C replaced by T.
Protein change: p.Pro423=; no amino-acid change (proline 423 retained).
Molecular consequence: synonymous variant.
Genome position (GRCh38, 1-based): chr1:12,261,004, C>T. VCF-style: chr1-12261004-C-T. GRCh37 (hg19) VCF-style: chr1-12321061-C-T.
Other names: c.1269C>T, p.Pro423= (NM_018156.4).
Identifiers: ClinVar variation 2638247 (VCV002638247.27), dbSNP rs750359917, ClinGen allele CA601478.
Genomic context (GRCh38, chr1:12,261,004, plus strand): 5'-ACAGAGTCTGCGGGAGCCTCAGTTTGATTCTCCAGGAGCCTGTCCGGGAGCCCCAGAACC[C>T]GGTGGAGGCAGTGGGATGCTGCAGTATCTCCAGTCCTGGTTTCCTGGATGGGGTGGCTGG-3'
Protein context (NP_056193.2, residues 413-433): SPGACPGAPE[Pro423=]GGGSGMLQYL

ClinVar aggregate classification (germline): Likely benign. Review status: criteria provided, multiple submitters, no conflicts (2 of 4 stars). 2 submissions from 2 submitters: Likely benign (2). Last evaluated 2022-11-16.

Allele frequency attached by ClinVar (database versions not stated): ExAC 0.00003; gnomAD 0.00005; gnomAD exomes 0.00006; TOPMed 0.00006.

Submissions (2):

Labcorp Genetics (formerly Invitae), Labcorp
Classification: Likely benign. Last evaluated: 2022-11-16. Review status: criteria provided, single submitter. Criteria: Invitae Variant Classification Sherloc (09022015). Collection method: clinical testing. Allele origin: germline.

CeGaT Center for Human Genetics Tuebingen
Classification: Likely benign. Last evaluated: 2022-11-01. Review status: criteria provided, single submitter. Criteria: CeGaT Center For Human Genetics Tuebingen Variant Classification Criteria Version 2. Collection method: clinical testing. Allele origin: germline. Affected: yes. Observed: 1 variant allele.
Comment: VPS13D: BP4, BP7